The following continues an entry in ClinVar:

NM_000020.3(ACVRL1):c.1120C>T (p.Arg374Trp)

Gene: ACVRL1. ClinVar aggregate classification (germline): Pathogenic/Likely pathogenic. Pathogenic (12); Likely pathogenic (1).

Submissions 10 to 16 of 16:

ARUP Laboratories, Molecular Genetics and Genomics, ARUP Laboratories
Classification: Pathogenic for Telangiectasia, hereditary hemorrhagic, type 2. Last evaluated: 2022-05-05. Review status: criteria provided, single submitter. Criteria: ARUP Molecular Germline Variant Investigation Process 2021. Collection method: clinical testing. Allele origin: germline.
Comment: The ACVRL1 c.1120C>T; p.Arg374Trp variant (rs28936401) has been shown to co-segregate with disease in multiple families affected with symptoms of HHT (Berg 1997, Canzonieri 2014, Harrison 2003, Lesca 2008, Nishida 2012, Ricard 2010, see HHT database link), as well as identified in a number of affected patients by our laboratory. This variant is reported in ClinVar as pathogenic (Variation ID: 8249). It is absent from general population databases (Exome Variant Server, Genome Aggregation Database), indicating it is not a common polymorphism. The arginine at codon 374 is located in exon 8 of ACVRL1, which has been described as a hotspot for pathogenic variants (Olivieri 2002). Based on available information, this variant is considered to be pathogenic. References: Link to ACVRL1 HHT database: Berg et al. The activin receptor-like kinase 1 gene: genomic structure and mutations in hereditary hemorrhagic telangiectasia type 2. Am J Hum Genet. 1997; 61(1): 60-67. Canzonieri et al. Endoscopic evaluation of gastrointestinal tract in patients with hereditary hemorrhagic telangiectasia and correlation with their genotypes. Genet Med. 2014; 16(1): 3-10. Harrison et al. Molecular and functional analysis identifies ALK-1 as the predominant cause of pulmonary hypertension related to hereditary haemorrhagic telangiectasia. J Med Genet. 2003; 40(12): 865-871. Lesca et al. Hereditary hemorrhagic telangiectasia: evidence for regional founder effects of ACVRL1 mutations in French and Italian patients. Eur J Hum Genet. 2008; 16(6): 742-749. Nishida et al. Brain arteriovenous malformations associated with hereditary hemorrhagic telangiectasia: gene-phenotype correlations. Am J Med Genet A. 2012; 158A(11): 2829-2834. Olivieri et al. Identification of 13 new mutations in the ACVRL1 gene in a group of 52 unselected Italian patients affected by hereditary haemorrhagic telangiectasia. J Med Genet. 2002; 39(7): E39. Ricard et al. Functional analysis of the BMP9 response of ALK1 mutants from HHT2 patients: a diagnostic tool for novel ACVRL1 mutations. Blood. 2010; 116(9): 1604-1612.

Laboratory of Medical Genetics, National & Kapodistrian University of Athens
Classification: Pathogenic for Telangiectasia, hereditary hemorrhagic, type 2. Last evaluated: 2021-10-05. Review status: criteria provided, single submitter. Criteria: ACMG Guidelines, 2015. Collection method: clinical testing. Allele origin: unknown. Affected: yes.
Comment: PM1, PM2, PM5, PP3, PP5

Fulgent Genetics
Classification: Pathogenic for Telangiectasia, hereditary hemorrhagic, type 2. Last evaluated: 2021-08-31. Review status: criteria provided, single submitter. Criteria: ACMG Guidelines, 2015. Collection method: clinical testing. Allele origin: unknown.

NIHR Bioresource Rare Diseases, University of Cambridge
Classification: Likely pathogenic for Telangiectasia, hereditary hemorrhagic, type 2. Last evaluated: 2018-01-01. Review status: criteria provided, single submitter. Criteria: ACMG Guidelines, 2015. Collection method: research. Allele origin: unknown. Affected: yes. Observed: 4 variant alleles.
Comment: PS3+PM2+PP4+PP5

OMIM
Classification: Pathogenic for TELANGIECTASIA, HEREDITARY HEMORRHAGIC, TYPE 2. Last evaluated: 2008-06-01. Review status: no assertion criteria provided. Collection method: literature only. Allele origin: germline. Not counted in ClinVar's aggregate classification.

OMIM
Classification: Pathogenic for PULMONARY ARTERIAL HYPERTENSION, HEREDITARY HEMORRHAGIC TELANGIECTASIA-RELATED. Last evaluated: 2008-06-01. Review status: no assertion criteria provided. Collection method: literature only. Allele origin: germline. Not counted in ClinVar's aggregate classification.

Rare Disease Genomics Group, St George's University of London
Classification: Pathogenic for Pulmonary arterial hypertension related to hereditary hemorrhagic telangiectasia. Review status: no assertion criteria provided. Collection method: literature only. Allele origin: germline. Affected: yes. Not counted in ClinVar's aggregate classification.

Literature cited by the submitters: PubMed 9245985 (cited by 3 submitters); PubMed 15065824 (cited by Labcorp Genetics (formerly Invitae), Labcorp and Rare Disease Genomics Group, St George's University of London); PubMed 15375013 (cited by Labcorp Genetics (formerly Invitae), Labcorp); PubMed 22991266 (cited by Labcorp Genetics (formerly Invitae), Labcorp and 3billion); PubMed 23722869 (cited by Labcorp Genetics (formerly Invitae), Labcorp and 3billion); PubMed 23805858 (cited by Labcorp Genetics (formerly Invitae), Labcorp and 3billion); PubMed 16282348 (cited by Labcorp Genetics (formerly Invitae), Labcorp and Ambry Genetics); PubMed 20501893 (cited by Labcorp Genetics (formerly Invitae), Labcorp and Ambry Genetics); PubMed 12700602 (cited by 3 submitters); PubMed 18285823 (cited by Labcorp Genetics (formerly Invitae), Labcorp and OMIM); PubMed 21158752 (cited by Labcorp Genetics (formerly Invitae), Labcorp); PubMed 25970827 (cited by Labcorp Genetics (formerly Invitae), Labcorp); PubMed 16470589 (cited by Ambry Genetics); PubMed 24603890 (cited by Ambry Genetics); PubMed 32573726 (cited by NIHR Bioresource Rare Diseases, University of Cambridge); PubMed 11170071 (cited by OMIM); PubMed 14684682 (cited by OMIM and Rare Disease Genomics Group, St George's University of London); PubMed 26387786 (cited by Rare Disease Genomics Group, St George's University of London).